The following is an entry in ClinVar:

ClinVar aggregate classification (germline): Uncertain significance (1 of 4 stars; one submission).

Allele frequency attached by ClinVar (database versions not stated): ExAC 0.00002; TOPMed 0.00002; gnomAD 0.00003; ESP Exome Variant Server 0.00008; 1000 Genomes Project 30x 0.00016; 1000 Genomes Project 0.00020.
gnomAD v4.1: 19 of 1,614,042 alleles (0.0012%); highest among the groups gnomAD compares: African/African-American, 0.0067%; no homozygotes.

Submission:

CeGaT Center for Human Genetics Tuebingen
Classification: Uncertain significance. Last evaluated: 2022-09-01. Review status: criteria provided, single submitter. Criteria: CeGaT Center For Human Genetics Tuebingen Variant Classification Criteria Version 2. Collection method: clinical testing. Allele origin: germline. Affected: yes. Observed: 1 variant allele.
Comment: CIITA: PM2:Supporting, BP4

NM_000246.4(CIITA):c.484G>A (p.Glu162Lys)

Gene: CIITA (class II major histocompatibility complex transactivator; plus strand). Cytogenetic location: 16p13.13.
Variant type: single nucleotide variant.
Coding change: c.484G>A on transcript NM_000246.4 (MANE Select); coding-DNA position 484, G replaced by A.
Protein change: p.Glu162Lys; replaces glutamic acid 162 with lysine.
Molecular consequence: missense variant. On other transcripts: non-coding transcript variant (1), intron variant (3).
Genome position (GRCh38, 1-based): chr16:10,902,040, G>A. VCF-style: chr16-10902040-G-A. GRCh37 (hg19) VCF-style: chr16-10995897-G-A.
Other names: c.484G>A, p.Glu162Lys (NM_001379333.1); c.415G>A, p.Glu139Lys (NM_001379334.1); c.484+482G>A (NM_001379330.1); c.481+482G>A (NM_001379331.1, NM_001286403.2); c.487G>A, p.Glu163Lys (NM_001286402.1, NM_001379332.1); short protein forms E139K, E162K, E163K.
Identifiers: ClinVar variation 2646205 (VCV002646205.24), dbSNP rs368188386, ClinGen allele CA7899782.